The following is an entry in ClinVar:

NM_001111.5(ADAR):c.926A>G (p.Asn309Ser)

Gene: ADAR (adenosine deaminase RNA specific; minus strand). Cytogenetic location: 1q21.3.
Variant type: single nucleotide variant.
Coding change: c.926A>G on transcript NM_001111.5 (MANE Select); coding-DNA position 926, A replaced by G.
Protein change: p.Asn309Ser; replaces asparagine 309 with serine.
Molecular consequence: missense variant.
Genome position (GRCh38, 1-based): chr1:154,601,716, T>C on the plus strand (A>G on the coding strand, the complement: ADAR is on the minus strand). VCF-style: chr1-154601716-T-C. GRCh37 (hg19) VCF-style: chr1-154574192-T-C.
Other names: c.41A>G, p.Asn14Ser (NM_001025107.3, NM_001193495.2, NM_001365046.1 and 3 more transcripts); c.953A>G, p.Asn318Ser (NM_001365045.1); c.926A>G, p.Asn309Ser (NM_015840.4, NM_015841.4); short protein forms N309S, N14S, N318S.
Identifiers: ClinVar variation 2049940 (VCV002049940.4), dbSNP rs2526656781, ClinGen allele CA342599274.

ClinVar aggregate classification (germline): Uncertain significance (1 of 4 stars; one submission).

Conditions:
Aicardi-Goutieres syndrome 6 (AGS6). Identifiers: Orphanet 51, MedGen C3539013, MONDO:0014007, OMIM 615010.
Symmetrical dyschromatosis of extremities (DSH). Also called: RETICULATE ACROPIGMENTATION OF DOHI; SYMMETRIC DYSCHROMATOSIS OF THE EXTREMITIES; Dyschromatosis symmetrica hereditaria; DYSCHROMATOSIS SYMMETRICA HEREDITARIA 1. Identifiers: Orphanet 41, MedGen C0406775, MONDO:0007483, OMIM 127400.

Submission:

Labcorp Genetics (formerly Invitae), Labcorp
Classification: Uncertain significance for Aicardi-Goutieres syndrome 6; Symmetrical dyschromatosis of extremities. Last evaluated: 2022-08-23. Review status: criteria provided, single submitter. Criteria: Invitae Variant Classification Sherloc (09022015). Collection method: clinical testing. Allele origin: germline.
Comment: Algorithms developed to predict the effect of sequence changes on RNA splicing suggest that this variant may create or strengthen a splice site. In summary, the available evidence is currently insufficient to determine the role of this variant in disease. Therefore, it has been classified as a Variant of Uncertain Significance. Algorithms developed to predict the effect of missense changes on protein structure and function output the following: SIFT: "Deleterious"; PolyPhen-2: "Benign"; Align-GVGD: "Class C0". The serine amino acid residue is found in multiple mammalian species, which suggests that this missense change does not adversely affect protein function. This variant has not been reported in the literature in individuals affected with ADAR-related conditions. This variant is not present in population databases (gnomAD no frequency). This sequence change replaces asparagine, which is neutral and polar, with serine, which is neutral and polar, at codon 309 of the ADAR protein (p.Asn309Ser).